The following is an entry in ClinVar:

ClinVar aggregate classification (germline): Likely pathogenic (1 of 4 stars; one submission).

Submission:

Labcorp Genetics (formerly Invitae), Labcorp
Classification: Likely pathogenic. Last evaluated: 2021-08-29. Review status: criteria provided, single submitter. Criteria: Invitae Variant Classification Sherloc (09022015). Collection method: clinical testing. Allele origin: germline.
Comment: This variant is a gross deletion of the genomic region encompassing exon(s) 9-13 of the PCDH15 gene. This variant would be expected to be in-frame, preserving the integrity of the reading frame. A similar copy number variant has been observed in individual(s) with Usher syndrome (PMID: 27583663). This variant disrupts the p.Val528 amino acid residue in PCDH15. Other variant(s) that disrupt this residue have been determined to be pathogenic (PMID: 19107147). This suggests that this residue is clinically significant, and that variants that disrupt this residue are likely to be disease-causing. In summary, the currently available evidence indicates that the variant is pathogenic, but additional data are needed to prove that conclusively. Therefore, this variant has been classified as Likely Pathogenic.

Literature cited by the submitters: PubMed 27583663; PubMed 19107147.

NC_000010.10:g.(?_55943194)_(55996701_?)del

Gene: PCDH15 (protocadherin related 15; minus strand). Cytogenetic location: 10q21.1.
Variant type: Deletion.
Identifiers: ClinVar variation 1345498 (VCV001345498.3).